The following is an entry in ClinVar:

NM_015192.4(PLCB1):c.2267T>G (p.Phe756Cys)

Gene: PLCB1 (phospholipase C beta 1; plus strand). Cytogenetic location: 20p12.3.
Variant type: single nucleotide variant.
Coding change: c.2267T>G on transcript NM_015192.4 (MANE Select); coding-DNA position 2267, T replaced by G.
Protein change: p.Phe756Cys; replaces phenylalanine 756 with cysteine.
Molecular consequence: missense variant.
Genome position (GRCh38, 1-based): chr20:8,739,319, T>G. VCF-style: chr20-8739319-T-G. GRCh37 (hg19) VCF-style: chr20-8719966-T-G.
Other names: c.2267T>G, p.Phe756Cys (NM_182734.3); short protein forms F756C.
Identifiers: ClinVar variation 1444754 (VCV001444754.4), dbSNP rs1350964561, ClinGen allele CA408207737.

ClinVar aggregate classification (germline): Uncertain significance (1 of 4 stars; one submission).

Conditions:
Developmental and epileptic encephalopathy, 12 (DEE12). Identifiers: MedGen C3150988, MONDO:0013389, OMIM 613722.

Allele frequency attached by ClinVar (database versions not stated): gnomAD 0.00001; gnomAD exomes 0.00001; TOPMed 0.00002.
gnomAD v4.1: 4 of 1,613,982 alleles (0.00025%); highest among the groups gnomAD compares: Non-Finnish European, 0.00034%; no homozygotes.

Submission:

Labcorp Genetics (formerly Invitae), Labcorp
Classification: Uncertain significance for Developmental and epileptic encephalopathy, 12. Last evaluated: 2021-10-06. Review status: criteria provided, single submitter. Criteria: Invitae Variant Classification Sherloc (09022015). Collection method: clinical testing. Allele origin: germline.
Comment: In summary, the available evidence is currently insufficient to determine the role of this variant in disease. Therefore, it has been classified as a Variant of Uncertain Significance. Algorithms developed to predict the effect of missense changes on protein structure and function are either unavailable or do not agree on the potential impact of this missense change (SIFT: "Deleterious"; PolyPhen-2: "Possibly Damaging"; Align-GVGD: "Class C0"). This variant has not been reported in the literature in individuals affected with PLCB1-related conditions. This variant is not present in population databases (ExAC no frequency). This sequence change replaces phenylalanine with cysteine at codon 756 of the PLCB1 protein (p.Phe756Cys). The phenylalanine residue is moderately conserved and there is a large physicochemical difference between phenylalanine and cysteine.